The following is an entry in ClinVar:

ClinVar aggregate classification (germline): Likely pathogenic (1 of 4 stars; one submission).

Conditions:
Dilated cardiomyopathy 1G (CMD1G). Identifiers: Orphanet 154, MedGen C1858763, MONDO:0011400, OMIM 604145.
Autosomal recessive limb-girdle muscular dystrophy type 2J (LGMDR10). Also called: Limb-girdle muscular dystrophy, type 2J; MUSCULAR DYSTROPHY, LIMB-GIRDLE, AUTOSOMAL RECESSIVE 10. Identifiers: Orphanet 140922, MedGen C1837342, MONDO:0012127, OMIM 608807.

Submission:

Labcorp Genetics (formerly Invitae), Labcorp
Classification: Likely pathogenic for Dilated cardiomyopathy 1G; Autosomal recessive limb-girdle muscular dystrophy type 2J. Last evaluated: 2025-12-09. Review status: criteria provided, single submitter. Criteria: Invitae Variant Classification Sherloc (09022015). Collection method: clinical testing. Allele origin: germline.
Comment: This sequence change affects a splice site in intron 30 of the TTN gene. It is expected to disrupt RNA splicing and likely results in a truncated or disrupted TTN protein. This variant is not present in population databases (gnomAD no frequency). This variant has not been reported in the literature in individuals affected with TTN-related conditions. ClinVar contains an entry for this variant (Variation ID: 2945480). Algorithms developed to predict the effect of sequence changes on RNA splicing suggest that this variant may disrupt the consensus splice site. This variant is located in the I band of TTN (PMID: 25589632). Truncating variants in this region have been reported in individuals affected with autosomal recessive centronuclear myopathy (PMID: 23975875, internal data). Truncating variants in this region have also been identified in individuals affected with autosomal dominant dilated cardiomyopathy and/or cardio-related conditions (PMID: 27869827, 32964742, internal data). In summary, the currently available evidence indicates that the variant is pathogenic, but additional data are needed to prove that conclusively. Therefore, this variant has been classified as Likely Pathogenic.

Literature cited by the submitters: PubMed 25589632; PubMed 23975875; PubMed 27869827; PubMed 32964742.

NM_001267550.2(TTN):c.7057+1del

Genes: TTN (titin; minus strand), LOC126806433 (BRD4-independent group 4 enhancer GRCh37_chr2:179638309-179639508; plus strand). Cytogenetic location: 2q31.2.
Variant type: Deletion.
Coding change: c.7057+1del on transcript NM_001267550.2 (MANE Select); the canonical splice donor site of the intron after coding-DNA position 7057, one base deleted (G; older notation c.7057+1delG).
Molecular consequence: splice donor variant.
Genome position (GRCh38, 1-based): chr2:178,774,206, C deleted on the plus strand (G on the coding strand, the reverse complement: TTN is on the minus strand). VCF-style (leftmost placement, unchanged base first): chr2-178774205-AC-A. GRCh37 (hg19) VCF-style: chr2-179638932-AC-A.
Other names: c.6919+1del (NM_003319.4, NM_133437.4, NM_133432.3); c.7057+1del (NM_133378.4, NM_001256850.1, NM_133379.5).
Identifiers: ClinVar variation 2945480 (VCV002945480.3), dbSNP rs2532720668, ClinGen allele CA2577174674.